The following is an entry in ClinVar:

ClinVar aggregate classification (germline): Likely benign. Review status: criteria provided, multiple submitters, no conflicts (2 of 4 stars). 3 submissions from 3 submitters: Likely benign (3). Last evaluated 2026-01-15.

Conditions:
Cardiovascular phenotype. Identifiers: MedGen CN230736.
Autosomal recessive limb-girdle muscular dystrophy type 2J (LGMDR10). Also called: MUSCULAR DYSTROPHY, LIMB-GIRDLE, AUTOSOMAL RECESSIVE 10; Limb-girdle muscular dystrophy, type 2J. Identifiers: Orphanet 140922, MedGen C1837342, MONDO:0012127, OMIM 608807.
Dilated cardiomyopathy 1G (CMD1G). Identifiers: Orphanet 154, MedGen C1858763, MONDO:0011400, OMIM 604145.

Allele frequency attached by ClinVar (database versions not stated): gnomAD exomes 0.00001; ExAC 0.00002; TOPMed 0.00002; ESP Exome Variant Server 0.00008.

Submissions (3):

Labcorp Genetics (formerly Invitae), Labcorp
Classification: Likely benign for Dilated cardiomyopathy 1G; Autosomal recessive limb-girdle muscular dystrophy type 2J. Last evaluated: 2026-01-15. Review status: criteria provided, single submitter. Criteria: Invitae Variant Classification Sherloc (09022015). Collection method: clinical testing. Allele origin: germline.

Ambry Genetics
Classification: Likely benign for Cardiovascular phenotype. Last evaluated: 2024-10-24. Review status: criteria provided, single submitter. Criteria: Ambry Variant Classification Scheme 2023. Collection method: clinical testing. Allele origin: germline.

GeneDx
Classification: Likely benign. Last evaluated: 2017-11-15. Review status: criteria provided, single submitter. Criteria: GeneDx Variant Classification (06012015). Collection method: clinical testing. Allele origin: germline. Affected: yes.
Comment: This variant is considered likely benign or benign based on one or more of the following criteria: it is a conservative change, it occurs at a poorly conserved position in the protein, it is predicted to be benign by multiple in silico algorithms, and/or has population frequency not consistent with disease.

NM_001267550.2(TTN):c.101391T>C (p.Asp33797=)

Genes: TTN (titin; minus strand), TTN-AS1 (TTN antisense RNA 1; plus strand). Cytogenetic location: 2q31.2.
Variant type: single nucleotide variant.
Coding change: c.101391T>C on transcript NM_001267550.2 (MANE Select); coding-DNA position 101391, T replaced by C.
Protein change: p.Asp33797=; no amino-acid change (aspartic acid 33797 retained).
Molecular consequence: synonymous variant.
Genome position (GRCh38, 1-based): chr2:178,535,224, A>G on the plus strand (T>C on the coding strand, the complement: TTN is on the minus strand). VCF-style: chr2-178535224-A-G. GRCh37 (hg19) VCF-style: chr2-179399951-A-G.
Other names: c.96468T>C, p.Asp32156= (NM_001256850.1); c.74196T>C, p.Asp24732= (NM_003319.4); c.93687T>C, p.Asp31229= (NM_133378.4); c.74571T>C, p.Asp24857= (NM_133432.3); c.74772T>C, p.Asp24924= (NM_133437.4).
Identifiers: ClinVar variation 513562 (VCV000513562.7), dbSNP rs374228740, ClinGen allele CA1985893.